The following is an entry in ClinVar:

ClinVar aggregate classification (germline): Uncertain significance (1 of 4 stars; one submission).

Conditions:
Alexander disease (ALXDRD). Also called: Alexander's disease. Identifiers: Orphanet 58, MedGen C0270726, MONDO:0008752, OMIM 203450.

Submission:

3billion
Classification: Uncertain significance for Alexander disease. Last evaluated: 2024-02-05. Review status: criteria provided, single submitter. Criteria: ACMG Guidelines, 2015. Collection method: clinical testing. Allele origin: germline. Affected: yes.
Comment: The variant is not observed in the gnomAD v2.1.1 dataset. Predicted Consequence/Location: Missense changes are a common disease-causing mechanism. In silico tool predictions suggest damaging effect of the variant on gene or gene product [REVEL: 0.94 (>=0.6, sensitivity 0.68 and specificity 0.92); 3Cnet: 0.95 (>=0.6, sensitivity 0.72 and precision 0.9)]. A different missense change at the same codon (p.Leu370Pro) has been reported to be associated with GFAP related disorder (ClinVar ID: VCV001077122 /PMID: 35229910). However the evidence of pathogenicity is insufficient at this time. Therefore, this variant is classified as VUS according to the recommendation of ACMG/AMP guideline.

Literature cited by the submitters: PubMed 35229910.

NM_002055.5(GFAP):c.1108C>G (p.Leu370Val)

Genes: GFAP (glial fibrillary acidic protein; minus strand), LOC130060994 (ATAC-STARR-seq lymphoblastoid active region 12266; plus strand). Cytogenetic location: 17q21.31.
Variant type: single nucleotide variant.
Coding change: c.1108C>G on transcript NM_002055.5 (MANE Select); coding-DNA position 1108, C replaced by G.
Protein change: p.Leu370Val; replaces leucine 370 with valine.
Molecular consequence: missense variant.
Genome position (GRCh38, 1-based): chr17:44,911,255, G>C on the plus strand (C>G on the coding strand, the complement: GFAP is on the minus strand). VCF-style: chr17-44911255-G-C. GRCh37 (hg19) VCF-style: chr17-42988623-G-C.
Other names: c.1108C>G, p.Leu370Val (NM_001131019.3, NM_001242376.3, NM_001363846.2); short protein forms L370V.
Identifiers: ClinVar variation 3775545 (VCV003775545.1).
Genomic context (GRCh38, chr17:44,911,255, plus strand): 5'-GCAGCAGGGAGACTTCCCCAGGGGCTGTGATGAGGGCTCACCGGTTCTCCTCGCCCTCTA[G>C]CAGCTTCCTGTAGGTGGCGATCTCGATGTCCAGGGCCAGCTTGACATTGAGCAGGTCCTG-3'
Protein context (NP_002046.1, residues 360-380): DIEIATYRKL[Leu370Val]EGEENRITIP